The following is an entry in ClinVar:

NM_004360.5(CDH1):c.1234G>A (p.Val412Ile)

Gene: CDH1 (cadherin 1; plus strand). Cytogenetic location: 16q22.1.
Variant type: single nucleotide variant.
Coding change: c.1234G>A on transcript NM_004360.5 (MANE Select); coding-DNA position 1234, G replaced by A.
Protein change: p.Val412Ile; replaces valine 412 with isoleucine.
Molecular consequence: missense variant. On other transcripts: 5 prime UTR variant (2), intron variant (1).
Genome position (GRCh38, 1-based): chr16:68,813,409, G>A. VCF-style: chr16-68813409-G-A. GRCh37 (hg19) VCF-style: chr16-68847312-G-A.
Other names: c.-382G>A (NM_001317185.2); c.-586G>A (NM_001317186.2); c.1137+1146G>A (NM_001317184.2); c.1234G>A (LRG_301t1); short protein forms V412I.
Identifiers: ClinVar variation 142029 (VCV000142029.25), dbSNP rs587782189, ClinGen allele CA167176.

ClinVar aggregate classification (germline): Conflicting classifications of pathogenicity. Review status: criteria provided, conflicting classifications (1 of 4 stars). 6 submissions from 6 submitters: Uncertain significance (4); Benign (1). 1 of the submissions does not count toward it. Last evaluated 2026-08-07.

Conditions:
Familial cancer of breast. Also called: hereditary breast carcinoma; BREAST CANCER, FAMILIAL; Hereditary breast cancer. Identifiers: Orphanet 227535, MedGen C0346153, MONDO:0016419, OMIM 114480. Disease mechanism: loss of function.
Hereditary diffuse gastric adenocarcinoma (HDGC). Also called: DIFFUSE GASTRIC AND LOBULAR BREAST CANCER SYNDROME. Identifiers: Orphanet 26106, MedGen C1708349, MONDO:0007648, OMIM 137215.
Endometrial carcinoma. Also called: Endometrial carcinoma, somatic. Identifiers: MedGen C0476089, MONDO:0002447, OMIM 608089, HP:0012114.
Ovarian neoplasm. Also called: Neoplasm of ovary; Ovarian tumor; Ovarian Neoplasms. Identifiers: MedGen C0919267, MeSH D010051, MONDO:0021068, HP:0100615.
Prostate cancer. Also called: Malignant tumor of prostate. Identifiers: Orphanet 1331, MedGen C0376358, MONDO:0008315, HP:0012125.
Blepharocheilodontic syndrome 1 (BCDS1). Identifiers: Orphanet 1997, MedGen C4551988, MONDO:0054740, OMIM 119580.
Hereditary cancer-predisposing syndrome. Also called: Neoplastic Syndromes, Hereditary; Hereditary neoplastic syndrome; Hereditary Cancer Syndrome; Tumor predisposition. Identifiers: Orphanet 140162, MedGen C0027672, MeSH D009386, MONDO:0015356.

Submissions (6):

Ambry Genetics
Classification: Benign for Hereditary cancer-predisposing syndrome. Last evaluated: 2026-08-07. Review status: criteria provided, single submitter. Criteria: Ambry Variant Classification Scheme 2023. Collection method: clinical testing. Allele origin: germline.

Color Diagnostics, LLC DBA Color Health
Classification: Uncertain significance for Hereditary cancer-predisposing syndrome. Last evaluated: 2024-12-12. Review status: criteria provided, single submitter. Criteria: ACMG Guidelines, 2015. Collection method: clinical testing. Allele origin: germline.
Comment: This missense variant replaces valine with isoleucine at codon 412 of the CDH1 protein. To our knowledge, functional studies have not been reported for this variant. This variant has not been reported in individuals affected with CDH1-related disorders in the literature. This variant has not been identified in the general population by the Genome Aggregation Database (gnomAD). The available evidence is insufficient to determine the role of this variant in disease conclusively. Therefore, this variant is classified as a Variant of Uncertain Significance.

Labcorp Genetics (formerly Invitae), Labcorp
Classification: Uncertain significance for Hereditary diffuse gastric adenocarcinoma. Last evaluated: 2024-11-09. Review status: criteria provided, single submitter. Criteria: Invitae Variant Classification Sherloc (09022015). Collection method: clinical testing. Allele origin: germline.
Comment: This sequence change replaces valine, which is neutral and non-polar, with isoleucine, which is neutral and non-polar, at codon 412 of the CDH1 protein (p.Val412Ile). This variant is not present in population databases (gnomAD no frequency). This missense change has been observed in individual(s) with clinical features of Lynch syndrome (PMID: 25980754). ClinVar contains an entry for this variant (Variation ID: 142029). An algorithm developed to predict the effect of missense changes on protein structure and function (PolyPhen-2) suggests that this variant is likely to be tolerated. In summary, the available evidence is currently insufficient to determine the role of this variant in disease. Therefore, it has been classified as a Variant of Uncertain Significance.

Myriad Genetics, Inc.
Classification: Uncertain significance for Hereditary diffuse gastric adenocarcinoma. Last evaluated: 2023-03-06. Review status: criteria provided, single submitter. Criteria: Myriad Autosomal Dominant, Autosomal Recessive and X-Linked Classification Criteria (2023). Collection method: clinical testing. Allele origin: unknown.
Comment: This variant is classified as a variant of uncertain significance as there is insufficient evidence to determine its impact on protein function and/or cancer risk.

Fulgent Genetics
Classification: Uncertain significance for Familial cancer of breast; Blepharocheilodontic syndrome 1; Hereditary diffuse gastric adenocarcinoma; Ovarian cancer; Familial prostate cancer; Endometrial carcinoma. Last evaluated: 2022-04-21. Review status: criteria provided, single submitter. Criteria: ACMG Guidelines, 2015. Collection method: clinical testing. Allele origin: unknown.

Counsyl
Classification: Uncertain significance for Hereditary diffuse gastric adenocarcinoma. Last evaluated: 2016-03-22. Review status: no assertion criteria provided. Collection method: clinical testing. Allele origin: unknown. Not counted in ClinVar's aggregate classification.

Literature cited by the submitters: PubMed 25980754 (cited by Labcorp Genetics (formerly Invitae), Labcorp and Counsyl).